The following is an entry in ClinVar:

NM_000093.5(COL5A1):c.492-56T>C

Gene: COL5A1 (collagen type V alpha 1 chain; plus strand). Cytogenetic location: 9q34.3.
Variant type: single nucleotide variant.
Coding change: c.492-56T>C on transcript NM_000093.5 (MANE Select); 56 bases into the intron before coding-DNA position 492, T replaced by C.
Molecular consequence: intron variant.
Genome position (GRCh38, 1-based): chr9:134,701,115, T>C. VCF-style: chr9-134701115-T-C. GRCh37 (hg19) VCF-style: chr9-137592961-T-C.
Other names: c.492-56T>C (NM_001278074.1).
Identifiers: ClinVar variation 672238 (VCV000672238.2), dbSNP rs4341231, ClinGen allele CA12975062.
Genomic context (GRCh38, chr9:134,701,115, plus strand): 5'-CACCACGATCGTGCAGGAAGTGGGCCTTCTTCCTGTGTCTCGAGGAATTTGCAGCAAAAT[T>C]GCTTGAGCTGGCATCTGTGATCCAAGCCCTGTCTTCACCATCTGTTTCTTTGCAGGTGGC-3'

ClinVar aggregate classification (germline): Benign. Review status: criteria provided, multiple submitters, no conflicts (2 of 4 stars). 2 submissions from 2 submitters: Benign (2). Last evaluated 2018-06-18.

Allele frequency attached by ClinVar (database versions not stated): TOPMed 0.57939; gnomAD 0.58442 and 0.58535; 1000 Genomes Project 30x 0.62133; 1000 Genomes Project 0.62380.
gnomAD v4.1: 877,110 of 1,587,774 alleles (55%); highest among the groups gnomAD compares: African/African-American, 71%; 246,070 homozygotes.

Submissions (2):

GeneDx
Classification: Benign. Last evaluated: 2018-06-18. Review status: criteria provided, single submitter. Criteria: GeneDx Variant Classification (06012015). Collection method: clinical testing. Allele origin: germline. Affected: yes.
Comment: This variant is considered likely benign or benign based on one or more of the following criteria: it is a conservative change, it occurs at a poorly conserved position in the protein, it is predicted to be benign by multiple in silico algorithms, and/or has population frequency not consistent with disease.

Breakthrough Genomics
Classification: Benign. Review status: criteria provided, single submitter. Criteria: ACMG Guidelines, 2015. Collection method: not provided. Allele origin: germline. Inheritance: Autosomal dominant inheritance. Affected: yes.